The following is an entry in ClinVar:

NM_016284.5(CNOT1):c.3809A>G (p.His1270Arg)

Gene: CNOT1 (CCR4-NOT transcription complex subunit 1; minus strand). Cytogenetic location: 16q21.
Variant type: single nucleotide variant.
Coding change: c.3809A>G on transcript NM_016284.5 (MANE Select); coding-DNA position 3809, A replaced by G.
Protein change: p.His1270Arg; replaces histidine 1270 with arginine.
Molecular consequence: missense variant. On other transcripts: non-coding transcript variant (1).
Genome position (GRCh38, 1-based): chr16:58,546,691, T>C on the plus strand (A>G on the coding strand, the complement: CNOT1 is on the minus strand). VCF-style: chr16-58546691-T-C. GRCh37 (hg19) VCF-style: chr16-58580595-T-C.
Other names: c.3794A>G, p.His1265Arg (NM_001265612.2); c.3809A>G, p.His1270Arg (NM_206999.3); short protein forms H1265R, H1270R.
Identifiers: ClinVar variation 5037478 (VCV005037478.1).

ClinVar aggregate classification (germline): Uncertain significance (1 of 4 stars; one submission).

Submission:

GeneDx
Classification: Uncertain significance. Last evaluated: 2026-04-26. Review status: criteria provided, single submitter. Criteria: GeneDx Variant Classification Process June 2021. Collection method: clinical testing. Allele origin: germline.
Comment: Not observed at significant frequency in large population cohorts (gnomAD); In silico analysis supports that this missense variant has a deleterious effect on protein structure/function; Has not been previously published as pathogenic or benign to our knowledge